The following is an entry in ClinVar:

NM_001177316.2(SLC34A3):c.1094-2A>G

Gene: SLC34A3 (solute carrier family 34 member 3; plus strand). Cytogenetic location: 9q34.3.
Variant type: single nucleotide variant.
Coding change: c.1094-2A>G on transcript NM_001177316.2 (MANE Select); the canonical splice acceptor site of the intron before coding-DNA position 1094, A replaced by G.
Molecular consequence: splice acceptor variant.
Genome position (GRCh38, 1-based): chr9:137,234,414, A>G. VCF-style: chr9-137234414-A-G. GRCh37 (hg19) VCF-style: chr9-140128866-A-G.
Other names: c.1094-2A>G (NM_001177317.2, NM_080877.3).
Identifiers: ClinVar variation 2117719 (VCV002117719.4), dbSNP rs2538813711, ClinGen allele CA375736809.

ClinVar aggregate classification (germline): Likely pathogenic (1 of 4 stars; one submission).

Submission:

Labcorp Genetics (formerly Invitae), Labcorp
Classification: Likely pathogenic. Last evaluated: 2022-04-04. Review status: criteria provided, single submitter. Criteria: Invitae Variant Classification Sherloc (09022015). Collection method: clinical testing. Allele origin: germline.
Comment: This sequence change affects an acceptor splice site in intron 10 of the SLC34A3 gene. It is expected to disrupt RNA splicing. Variants that disrupt the donor or acceptor splice site typically lead to a loss of protein function (PMID: 16199547), and loss-of-function variants in SLC34A3 are known to be pathogenic (PMID: 16358214, 16358215, 22159077). This variant is not present in population databases (gnomAD no frequency). This variant has not been reported in the literature in individuals affected with SLC34A3-related conditions. Algorithms developed to predict the effect of sequence changes on RNA splicing suggest that this variant may disrupt the consensus splice site. In summary, the currently available evidence indicates that the variant is pathogenic, but additional data are needed to prove that conclusively. Therefore, this variant has been classified as Likely Pathogenic.

Literature cited by the submitters: PubMed 16199547; PubMed 16358214; PubMed 16358215; PubMed 22159077.